The following is an entry in ClinVar:

NM_001195248.2(APTX):c.*454G>C

Gene: APTX (aprataxin; minus strand). Cytogenetic location: 9p21.1.
Variant type: single nucleotide variant.
Coding change: c.*454G>C on transcript NM_001195248.2 (MANE Select); 454 bases downstream of the stop codon, G replaced by C.
Molecular consequence: 3 prime UTR variant. On other transcripts: non-coding transcript variant (13).
Genome position (GRCh38, 1-based): chr9:32,973,044, C>G on the plus strand (G>C on the coding strand, the complement: APTX is on the minus strand). VCF-style: chr9-32973044-C-G. GRCh37 (hg19) VCF-style: chr9-32973042-C-G.
Other names: c.*454G>C (NM_001195249.2, NM_001195250.2, NM_001195252.2 and 15 more transcripts); c.*640G>C (NM_001195251.2, NM_001368999.1, NM_001369006.1 and 1 more transcripts).
Identifiers: ClinVar variation 366586 (VCV000366586.6), dbSNP rs138490250, ClinGen allele CA5022195.

ClinVar aggregate classification (germline): Benign (1 of 4 stars; one submission).

Conditions:
Ataxia, early-onset, with oculomotor apraxia and hypoalbuminemia (EAOH). Also called: Ataxia-oculomotor apraxia type 1; ATAXIA-OCULOMOTOR APRAXIA SYNDROME; ATAXIA-TELANGIECTASIA-LIKE SYNDROME. Identifiers: Orphanet 1168, MedGen C1859598, MONDO:0008842, OMIM 208920.

Allele frequency attached by ClinVar (database versions not stated): ExAC 0.00028; gnomAD exomes 0.00072 and 0.00117; gnomAD 0.00535 and 0.00563; TOPMed 0.00617; 1000 Genomes Project 0.00879; 1000 Genomes Project 30x 0.00890.
gnomAD v4.1: 1,027 of 454,342 alleles (0.23%); highest among the groups gnomAD compares: African/African-American, 1.8%; 8 homozygotes.

Submission:

Illumina Laboratory Services, Illumina
Classification: Benign for Ataxia, early-onset, with oculomotor apraxia and hypoalbuminemia. Last evaluated: 2018-01-13. Review status: criteria provided, single submitter. Criteria: ICSL Variant Classification Criteria 13 December 2019. Collection method: clinical testing. Allele origin: germline.
Comment: This variant was observed in the ICSL laboratory as part of a predisposition screen in an ostensibly healthy population. It had not been previously curated by ICSL or reported in the Human Gene Mutation Database (HGMD: prior to June 1st, 2018), and was therefore a candidate for classification through an automated scoring system. Utilizing variant allele frequency, disease prevalence and penetrance estimates, and inheritance mode, an automated score was calculated to assess if this variant is too frequent to cause the disease. Based on the score and internal cut-off values, a variant classified as benign is not then subjected to further curation. The score for this variant resulted in a classification of benign for this disease.